The following is an entry in ClinVar:

ClinVar aggregate classification (germline): Likely pathogenic (1 of 4 stars; one submission).

Conditions:
Phenylketonuria (PKU). Also called: Phenylketonurias; OLIGOPHRENIA PHENYLPYRUVICA; FOLLING DISEASE; Phenylketonuria (PKU). Identifiers: Orphanet 716, MedGen C0031485, MONDO:0009861, OMIM 261600. Disease mechanism: loss of function.

Submission:

Labcorp Genetics (formerly Invitae), Labcorp
Classification: Likely pathogenic for Phenylketonuria. Last evaluated: 2025-03-11. Review status: criteria provided, single submitter. Criteria: Invitae Variant Classification Sherloc (09022015). Collection method: clinical testing. Allele origin: germline.
Comment: This sequence change replaces glutamine, which is neutral and polar, with arginine, which is basic and polar, at codon 172 of the PAH protein (p.Gln172Arg). This variant is not present in population databases (gnomAD no frequency). This missense change has been observed in individual(s) with PAH-related conditions (PMID: 32668217; BIOPKU). ClinVar contains an entry for this variant (Variation ID: 1983110). Invitae Evidence Modeling of protein sequence and biophysical properties (such as structural, functional, and spatial information, amino acid conservation, physicochemical variation, residue mobility, and thermodynamic stability) indicates that this missense variant is not expected to disrupt PAH protein function with a negative predictive value of 80%. This variant disrupts the p.Gln172 amino acid residue in PAH. Other variant(s) that disrupt this residue have been determined to be pathogenic (PMID: 26322415, 26600521, 28982351). This suggests that this residue is clinically significant, and that variants that disrupt this residue are likely to be disease-causing. In summary, the currently available evidence indicates that the variant is pathogenic, but additional data are needed to prove that conclusively. Therefore, this variant has been classified as Likely Pathogenic.

Literature cited by the submitters: PubMed 32668217; PubMed 26322415; PubMed 26600521; PubMed 28982351.

NM_000277.3(PAH):c.515A>G (p.Gln172Arg)

Gene: PAH (phenylalanine hydroxylase; minus strand). Cytogenetic location: 12q23.2.
Variant type: single nucleotide variant.
Coding change: c.515A>G on transcript NM_000277.3 (MANE Select); coding-DNA position 515, A replaced by G.
Protein change: p.Gln172Arg; replaces glutamine 172 with arginine.
Molecular consequence: missense variant.
Genome position (GRCh38, 1-based): chr12:102,855,327, T>C on the plus strand (A>G on the coding strand, the complement: PAH is on the minus strand). VCF-style: chr12-102855327-T-C. GRCh37 (hg19) VCF-style: chr12-103249105-T-C.
Other names: c.515A>G, p.Gln172Arg (NM_001354304.2); short protein forms Q172R.
Identifiers: ClinVar variation 1983110 (VCV001983110.4), dbSNP rs2499626437, ClinGen allele CA386297051.